The following is an entry in ClinVar:

ClinVar aggregate classification (germline): Uncertain significance (1 of 4 stars; one submission).

Conditions:
Glucose-6-phosphate transport defect (GSD1B). Also called: GSD Ib; Glycogen Storage Disease Type Ib. Identifiers: Orphanet 364, Orphanet 79259, MedGen C0268146, MONDO:0009288, OMIM 232220.

Submission:

Labcorp Genetics (formerly Invitae), Labcorp
Classification: Uncertain significance for Glucose-6-phosphate transport defect. Last evaluated: 2021-01-08. Review status: criteria provided, single submitter. Criteria: Invitae Variant Classification Sherloc (09022015). Collection method: clinical testing. Allele origin: germline.
Comment: This sequence change replaces serine with arginine at codon 63 of the SLC37A4 protein (p.Ser63Arg). The serine residue is highly conserved and there is a moderate physicochemical difference between serine and arginine. This variant is not present in population databases (ExAC no frequency). This variant has not been reported in the literature in individuals with SLC37A4-related conditions. Experimental studies and prediction algorithms are not available or were not evaluated, and the functional significance of this variant is currently unknown. In summary, the available evidence is currently insufficient to determine the role of this variant in disease. Therefore, it has been classified as a Variant of Uncertain Significance.

NM_001164277.2(SLC37A4):c.189C>G (p.Ser63Arg)

Gene: SLC37A4 (solute carrier family 37 member 4; minus strand). Cytogenetic location: 11q23.3.
Variant type: single nucleotide variant.
Coding change: c.189C>G on transcript NM_001164277.2 (MANE Select); coding-DNA position 189, C replaced by G.
Protein change: p.Ser63Arg; replaces serine 63 with arginine.
Molecular consequence: missense variant. On other transcripts: 5 prime UTR variant (1).
Genome position (GRCh38, 1-based): chr11:119,028,386, G>C on the plus strand (C>G on the coding strand, the complement: SLC37A4 is on the minus strand). VCF-style: chr11-119028386-G-C. GRCh37 (hg19) VCF-style: chr11-118899096-G-C.
Other names: c.189C>G, p.Ser63Arg (NM_001164278.2, NM_001164280.2, NM_001467.6); c.-31C>G (NM_001164279.2); short protein forms S63R.
Identifiers: ClinVar variation 1431393 (VCV001431393.1), dbSNP rs1359256648, ClinGen allele CA382906245.
Genomic context (GRCh38, chr11:119,028,386, plus strand): 5'-CCCAGAAGAGAAGAGCCAGCGAGCACTCATCTGGTCAGACAGCACCCCACTGACAAACTT[G>C]CTGATAGCATAAGCTGCCGACTGGCTGCTGGTGATGAACCCTGCAGGGAACATTACACTT-3'
Protein context (NP_001157749.1, residues 53-73): TSSQSAAYAI[Ser63Arg]KFVSGVLSDQ